The following continues an entry in ClinVar:

NM_006343.3(MERTK):c.60A>T (p.Arg20Ser)

Gene: MERTK. ClinVar aggregate classification (germline): Conflicting classifications of pathogenicity. Uncertain significance (1); Benign (2); Likely benign (2).

Submissions 30 to 44 of 44:

Dr. Peter K. Rogan Lab, Western University
No classification provided (evidence only). Condition: Familial pancreatic carcinoma. Review status: no classification provided. Collection method: in vitro. Allele origin: not applicable. Functional consequence: retained intron. Not counted in ClinVar's aggregate classification.

Dr. Peter K. Rogan Lab, Western University
No classification provided (evidence only). Condition: Familial pancreatic carcinoma. Review status: no classification provided. Collection method: in vitro. Allele origin: not applicable. Functional consequence: retained intron. Not counted in ClinVar's aggregate classification.

Dr. Peter K. Rogan Lab, Western University
No classification provided (evidence only). Condition: Familial pancreatic carcinoma. Review status: no classification provided. Collection method: in vitro. Allele origin: not applicable. Functional consequence: retained intron. Not counted in ClinVar's aggregate classification.

Dr. Peter K. Rogan Lab, Western University
No classification provided (evidence only). Condition: Familial pancreatic carcinoma. Review status: no classification provided. Collection method: in vitro. Allele origin: not applicable. Functional consequence: retained intron. Not counted in ClinVar's aggregate classification.

Dr. Peter K. Rogan Lab, Western University
No classification provided (evidence only). Condition: Familial pancreatic carcinoma. Review status: no classification provided. Collection method: in vitro. Allele origin: not applicable. Functional consequence: retained intron. Not counted in ClinVar's aggregate classification.

Dr. Peter K. Rogan Lab, Western University
No classification provided (evidence only). Condition: Familial pancreatic carcinoma. Review status: no classification provided. Collection method: in vitro. Allele origin: not applicable. Functional consequence: retained intron. Not counted in ClinVar's aggregate classification.

Dr. Peter K. Rogan Lab, Western University
No classification provided (evidence only). Condition: Lymphoma. Review status: no classification provided. Collection method: in vitro. Allele origin: not applicable. Functional consequence: retained intron. Not counted in ClinVar's aggregate classification.

Dr. Peter K. Rogan Lab, Western University
No classification provided (evidence only). Condition: Lymphoma. Review status: no classification provided. Collection method: in vitro. Allele origin: not applicable. Functional consequence: retained intron. Not counted in ClinVar's aggregate classification.

Dr. Peter K. Rogan Lab, Western University
No classification provided (evidence only). Condition: Lymphoma. Review status: no classification provided. Collection method: in vitro. Allele origin: not applicable. Functional consequence: retained intron. Not counted in ClinVar's aggregate classification.

Dr. Peter K. Rogan Lab, Western University
No classification provided (evidence only). Condition: Lymphoma. Review status: no classification provided. Collection method: in vitro. Allele origin: not applicable. Functional consequence: retained intron. Not counted in ClinVar's aggregate classification.

Dr. Peter K. Rogan Lab, Western University
No classification provided (evidence only). Condition: Lymphoma. Review status: no classification provided. Collection method: in vitro. Allele origin: not applicable. Functional consequence: retained intron. Not counted in ClinVar's aggregate classification.

Dr. Peter K. Rogan Lab, Western University
No classification provided (evidence only). Condition: Lymphoma. Review status: no classification provided. Collection method: in vitro. Allele origin: not applicable. Functional consequence: retained intron. Not counted in ClinVar's aggregate classification.

Dr. Peter K. Rogan Lab, Western University
No classification provided (evidence only). Condition: Ovarian cancer. Review status: no classification provided. Collection method: in vitro. Allele origin: not applicable. Functional consequence: retained intron. Not counted in ClinVar's aggregate classification.

Dr. Peter K. Rogan Lab, Western University
No classification provided (evidence only). Condition: Ovarian cancer. Review status: no classification provided. Collection method: in vitro. Allele origin: not applicable. Functional consequence: retained intron. Not counted in ClinVar's aggregate classification.

NEI Ophthalmic Genomics Laboratory, National Institutes of Health
No classification provided. Review status: no classification provided. Collection method: not provided. Allele origin: not provided. Not counted in ClinVar's aggregate classification.